The following is an entry in ClinVar:

NM_002878.4(RAD51D):c.331A>G (p.Ser111Gly)

Genes: RAD51L3-RFFL (RAD51L3-RFFL readthrough; minus strand), RAD51D (RAD51 paralog D; minus strand). Cytogenetic location: 17q12.
Variant type: single nucleotide variant.
Coding change: c.331A>G on transcript NM_002878.4 (MANE Select); coding-DNA position 331, A replaced by G.
Protein change: p.Ser111Gly; replaces serine 111 with glycine.
Molecular consequence: missense variant. On other transcripts: non-coding transcript variant (2), intron variant (1).
Genome position (GRCh38, 1-based): chr17:35,107,380, T>C on the plus strand (A>G on the coding strand, the complement: RAD51D is on the minus strand). VCF-style: chr17-35107380-T-C. GRCh37 (hg19) VCF-style: chr17-33434399-T-C.
Other names: c.391A>G, p.Ser131Gly (NM_001142571.2); c.145-899A>G (NM_133629.3); short protein forms S131G, S111G.
Identifiers: ClinVar variation 836729 (VCV000836729.9), dbSNP rs2091620231, ClinGen allele CA399089909.

ClinVar aggregate classification (germline): Uncertain significance (1 of 4 stars; one submission).

Conditions:
Breast-ovarian cancer, familial, susceptibility to, 4. Identifiers: Orphanet 145, MedGen C3280345, MONDO:0013669, OMIM 614291.

Submission:

Labcorp Genetics (formerly Invitae), Labcorp
Classification: Uncertain significance for Breast-ovarian cancer, familial, susceptibility to, 4. Last evaluated: 2019-03-13. Review status: criteria provided, single submitter. Criteria: Invitae Variant Classification Sherloc (09022015). Collection method: clinical testing. Allele origin: germline.
Comment: In summary, the available evidence is currently insufficient to determine the role of this variant in disease. Therefore, it has been classified as a Variant of Uncertain Significance. This sequence change replaces serine with glycine at codon 111 of the RAD51D protein (p.Ser111Gly). The serine residue is moderately conserved and there is a small physicochemical difference between serine and glycine. This variant is not present in population databases (ExAC no frequency). This variant has not been reported in the literature in individuals with RAD51D-related conditions. Algorithms developed to predict the effect of missense changes on protein structure and function are either unavailable or do not agree on the potential impact of this missense change (SIFT: "Tolerated"; PolyPhen-2: "Probably Damaging"; Align-GVGD: "Class C0").